The following is an entry in ClinVar:

NM_019594.4(LRRC8A):c.605G>A (p.Ser202Asn)

Gene: LRRC8A (leucine rich repeat containing 8 VRAC subunit A; plus strand). Cytogenetic location: 9q34.11.
Variant type: single nucleotide variant.
Coding change: c.605G>A on transcript NM_019594.4 (MANE Select); coding-DNA position 605, G replaced by A.
Protein change: p.Ser202Asn; replaces serine 202 with asparagine.
Molecular consequence: missense variant.
Genome position (GRCh38, 1-based): chr9:128,907,769, G>A. VCF-style: chr9-128907769-G-A. GRCh37 (hg19) VCF-style: chr9-131670048-G-A.
Other names: c.605G>A, p.Ser202Asn (NM_001127244.2, NM_001127245.2); short protein forms S202N.
Identifiers: ClinVar variation 2881346 (VCV002881346.3), dbSNP rs775807817, ClinGen allele CA5270738.

ClinVar aggregate classification (germline): Uncertain significance (1 of 4 stars; one submission).

Allele frequency attached by ClinVar (database versions not stated): ExAC 0.00001.

Submission:

Labcorp Genetics (formerly Invitae), Labcorp
Classification: Uncertain significance. Last evaluated: 2023-02-21. Review status: criteria provided, single submitter. Criteria: Invitae Variant Classification Sherloc (09022015). Collection method: clinical testing. Allele origin: germline.
Comment: This variant has not been reported in the literature in individuals affected with LRRC8A-related conditions. This variant is present in population databases (rs775807817, gnomAD 0.003%). This sequence change replaces serine, which is neutral and polar, with asparagine, which is neutral and polar, at codon 202 of the LRRC8A protein (p.Ser202Asn). In summary, the available evidence is currently insufficient to determine the role of this variant in disease. Therefore, it has been classified as a Variant of Uncertain Significance. An algorithm developed to predict the effect of missense changes on protein structure and function (PolyPhen-2) suggests that this variant is likely to be disruptive.